The following is an entry in ClinVar:

ClinVar aggregate classification (germline): Uncertain significance. Review status: criteria provided, multiple submitters, no conflicts (2 of 4 stars). 2 submissions from 2 submitters: Uncertain significance (2). Last evaluated 2024-12-20.

Conditions:
Neutropenia, severe congenital, 2, autosomal dominant. Identifiers: Orphanet 486, MedGen C2751288, MONDO:0013139, OMIM 613107.

Allele frequency attached by ClinVar (database versions not stated): TOPMed below 0.00001; gnomAD 0.00001; gnomAD exomes 0.00001.
gnomAD v4.1: 11 of 1,471,648 alleles (0.00075%); highest among the groups gnomAD compares: Non-Finnish European, 0.00099%; no homozygotes.

Submissions (2):

Ambry Genetics
Classification: Uncertain significance. Last evaluated: 2024-12-20. Review status: criteria provided, single submitter. Criteria: Ambry Variant Classification Scheme 2023. Collection method: clinical testing. Allele origin: germline.
Comment: The p.G180E variant (also known as c.539G>A), located in coding exon 3 of the GFI1 gene, results from a G to A substitution at nucleotide position 539. The glycine at codon 180 is replaced by glutamic acid, an amino acid with similar properties. This amino acid position is conserved. In addition, this alteration is predicted to be tolerated by in silico analysis. Based on the available evidence, the clinical significance of this variant remains unclear.

Labcorp Genetics (formerly Invitae), Labcorp
Classification: Uncertain significance for Neutropenia, severe congenital, 2, autosomal dominant. Last evaluated: 2022-06-21. Review status: criteria provided, single submitter. Criteria: Invitae Variant Classification Sherloc (09022015). Collection method: clinical testing. Allele origin: germline.
Comment: In summary, the available evidence is currently insufficient to determine the role of this variant in disease. Therefore, it has been classified as a Variant of Uncertain Significance. Algorithms developed to predict the effect of missense changes on protein structure and function (SIFT, PolyPhen-2, Align-GVGD) all suggest that this variant is likely to be tolerated. This variant has not been reported in the literature in individuals affected with GFI1-related conditions. This variant is present in population databases (no rsID available, gnomAD 0.004%). This sequence change replaces glycine, which is neutral and non-polar, with glutamic acid, which is acidic and polar, at codon 180 of the GFI1 protein (p.Gly180Glu).

NM_005263.5(GFI1):c.539G>A (p.Gly180Glu)

Gene: GFI1 (growth factor independent 1 transcriptional repressor; minus strand). Cytogenetic location: 1p22.1.
Variant type: single nucleotide variant.
Coding change: c.539G>A on transcript NM_005263.5 (MANE Select); coding-DNA position 539, G replaced by A.
Protein change: p.Gly180Glu; replaces glycine 180 with glutamic acid.
Molecular consequence: missense variant.
Genome position (GRCh38, 1-based): chr1:92,480,848, C>T on the plus strand (G>A on the coding strand, the complement: GFI1 is on the minus strand). VCF-style: chr1-92480848-C-T. GRCh37 (hg19) VCF-style: chr1-92946405-C-T.
Other names: c.539G>A, p.Gly180Glu (NM_001127215.3, NM_001127216.3); short protein forms G180E.
Identifiers: ClinVar variation 2427970 (VCV002427970.7), dbSNP rs1231997629, ClinGen allele CA341149633.